The following is an entry in ClinVar:

NM_006659.4(TUBGCP2):c.959C>T (p.Ser320Leu)

Genes: TUBGCP2 (tubulin gamma complex component 2; minus strand), LOC126861106 (P300/CBP strongly-dependent group 1 enhancer GRCh37_chr10:135106330-135107529; plus strand). Cytogenetic location: 10q26.3.
Variant type: single nucleotide variant.
Coding change: c.959C>T on transcript NM_006659.4 (MANE Select); coding-DNA position 959, C replaced by T.
Protein change: p.Ser320Leu; replaces serine 320 with leucine.
Molecular consequence: missense variant. On other transcripts: non-coding transcript variant (1).
Genome position (GRCh38, 1-based): chr10:133,293,104, G>A on the plus strand (C>T on the coding strand, the complement: TUBGCP2 is on the minus strand). VCF-style: chr10-133293104-G-A. GRCh37 (hg19) VCF-style: chr10-135106608-G-A.
Other names: c.1043C>T, p.Ser348Leu (NM_001256617.2); c.569C>T, p.Ser190Leu (NM_001256618.2); short protein forms S190L, S320L, S348L.
Identifiers: ClinVar variation 2634834 (VCV002634834.1), dbSNP rs201567115, ClinGen allele CA5764320.

ClinVar aggregate classification (germline): Uncertain significance (1 of 4 stars; one submission).

Conditions:
TUBGCP2-related disorder. Also called: TUBGCP2-related condition.

Allele frequency attached by ClinVar (database versions not stated): gnomAD exomes 0.00009; ExAC 0.00013; gnomAD 0.00019; TOPMed 0.00020.
gnomAD v4.1: 165 of 1,613,880 alleles (0.01%); highest among the groups gnomAD compares: African/African-American, 0.032%; no homozygotes.

Submission:

PreventionGenetics, part of Exact Sciences
Classification: Uncertain significance for TUBGCP2-related condition. Last evaluated: 2023-06-01. Review status: criteria provided, single submitter. Criteria: ACMG Guidelines, 2015. Collection method: clinical testing. Allele origin: germline.
Comment: The TUBGCP2 c.1043C>T variant is predicted to result in the amino acid substitution p.Ser348Leu. To our knowledge, this variant has not been reported in the literature. This variant is reported in 0.032% of alleles in individuals of African descent in gnomAD. At this time, the clinical significance of this variant is uncertain due to the absence of conclusive functional and genetic evidence.